The following is an entry in ClinVar:

ClinVar aggregate classification (germline): Uncertain significance. Review status: criteria provided, multiple submitters, no conflicts (2 of 4 stars). 2 submissions from 2 submitters: Uncertain significance (2). Last evaluated 2025-06-27.

Conditions:
Hereditary cancer-predisposing syndrome. Also called: Neoplastic Syndromes, Hereditary; Tumor predisposition; Hereditary Cancer Syndrome; Hereditary neoplastic syndrome. Identifiers: Orphanet 140162, MedGen C0027672, MeSH D009386, MONDO:0015356.
Rhabdoid tumor predisposition syndrome 2 (RTPS2). Identifiers: Orphanet 231108, Orphanet 69077, MedGen C2750074, MONDO:0013224, OMIM 613325.

Submissions (2):

Ambry Genetics
Classification: Uncertain significance for Hereditary cancer-predisposing syndrome. Last evaluated: 2025-06-27. Review status: criteria provided, single submitter. Criteria: Ambry Variant Classification Scheme 2023. Collection method: clinical testing. Allele origin: germline.
Comment: The p.V1658L variant (also known as c.4972G>C), located in coding exon 34 of the SMARCA4 gene, results from a G to C substitution at nucleotide position 4972. The valine at codon 1658 is replaced by leucine, an amino acid with highly similar properties. This amino acid position is conserved. In addition, the in silico prediction for this alteration is inconclusive. Based on the available evidence, the clinical significance of this variant remains unclear.

Labcorp Genetics (formerly Invitae), Labcorp
Classification: Uncertain significance for Rhabdoid tumor predisposition syndrome 2. Last evaluated: 2022-12-15. Review status: criteria provided, single submitter. Criteria: Invitae Variant Classification Sherloc (09022015). Collection method: clinical testing. Allele origin: germline.
Comment: In summary, the available evidence is currently insufficient to determine the role of this variant in disease. Therefore, it has been classified as a Variant of Uncertain Significance. Advanced modeling of protein sequence and biophysical properties (such as structural, functional, and spatial information, amino acid conservation, physicochemical variation, residue mobility, and thermodynamic stability) has been performed at Invitae for this missense variant, however the output from this modeling did not meet the statistical confidence thresholds required to predict the impact of this variant on SMARCA4 protein function. This variant has not been reported in the literature in individuals affected with SMARCA4-related conditions. This variant is not present in population databases (gnomAD no frequency). This sequence change replaces valine, which is neutral and non-polar, with leucine, which is neutral and non-polar, at codon 1658 of the SMARCA4 protein (p.Val1658Leu).

NM_003072.5(SMARCA4):c.4876G>C (p.Val1626Leu)

Gene: SMARCA4 (SWI/SNF related BAF chromatin remodeling complex subunit ATPase 4; plus strand). Cytogenetic location: 19p13.2.
Variant type: single nucleotide variant.
Coding change: c.4876G>C on transcript NM_003072.5 (MANE Select); coding-DNA position 4876, G replaced by C.
Protein change: p.Val1626Leu; replaces valine 1626 with leucine.
Molecular consequence: missense variant. On other transcripts: non-coding transcript variant (1).
Genome position (GRCh38, 1-based): chr19:11,060,152, G>C. VCF-style: chr19-11060152-G-C. GRCh37 (hg19) VCF-style: chr19-11170828-G-C.
Other names: c.4876G>C, p.Val1626Leu (NM_001128844.3); c.4786G>C, p.Val1596Leu (NM_001128845.2); c.4783G>C, p.Val1595Leu (NM_001128846.2); c.4777G>C, p.Val1593Leu (NM_001128847.4, NM_001374457.1); c.4774G>C, p.Val1592Leu (NM_001128848.2); c.4972G>C, p.Val1658Leu (NM_001128849.3, NM_001387283.1); c.4873G>C, p.Val1625Leu (NM_001411150.1); c.4972G>C (NM_001128849.1); short protein forms V1626L, V1658L, V1596L, V1592L, V1595L, V1625L, V1593L.
Identifiers: ClinVar variation 2821136 (VCV002821136.4), dbSNP rs757412819, ClinGen allele CA404080860.